The following is an entry in ClinVar:

ClinVar aggregate classification (germline): Uncertain significance (1 of 4 stars; one submission).

Allele frequency attached by ClinVar (database versions not stated): gnomAD exomes below 0.00001.
gnomAD v4.1: 5 of 1,614,164 alleles (0.00031%); highest among the groups gnomAD compares: Admixed American, 0.0017%; no homozygotes.

Submission:

Ambry Genetics
Classification: Uncertain significance. Last evaluated: 2024-10-30. Review status: criteria provided, single submitter. Criteria: Ambry Variant Classification Scheme 2023. Collection method: clinical testing. Allele origin: germline.
Comment: The p.L1480P variant (also known as c.4439T>C), located in coding exon 40 of the KIF1B gene, results from a T to C substitution at nucleotide position 4439. The leucine at codon 1480 is replaced by proline, an amino acid with similar properties. This amino acid position is conserved. In addition, this alteration is predicted to be tolerated by in silico analysis. The evidence for this gene-disease relationship is limited; therefore, the clinical significance of this alteration is unclear.

NM_001365951.3(KIF1B):c.4577T>C (p.Leu1526Pro)

Gene: KIF1B (kinesin family member 1B; plus strand). Cytogenetic location: 1p36.22.
Variant type: single nucleotide variant.
Coding change: c.4577T>C on transcript NM_001365951.3 (MANE Select); coding-DNA position 4577, T replaced by C.
Protein change: p.Leu1526Pro; replaces leucine 1526 with proline.
Molecular consequence: missense variant.
Genome position (GRCh38, 1-based): chr1:10,365,473, T>C. VCF-style: chr1-10365473-T-C. GRCh37 (hg19) VCF-style: chr1-10425531-T-C.
Other names: c.4577T>C, p.Leu1526Pro (NM_001365952.1); c.4439T>C, p.Leu1480Pro (NM_015074.3); short protein forms L1480P, L1526P.
Identifiers: ClinVar variation 1740604 (VCV001740604.3), dbSNP rs2521914275, ClinGen allele CA338321942.